The following is an entry in ClinVar:

ClinVar aggregate classification (germline): Conflicting classifications of pathogenicity. Review status: criteria provided, conflicting classifications (1 of 4 stars). 19 submissions from 13 submitters: Uncertain significance (2); Likely benign (15). 2 of the submissions do not count toward it. Last evaluated 2026-02-03.

Conditions:
Geleophysic dysplasia. Identifiers: Orphanet 2623, MedGen C3489726, MONDO:0000127.
Weill-Marchesani syndrome. Also called: WM Syndrome; Mesodermal dysmorphodystrophy congenital. Identifiers: Orphanet 3449, MedGen C0265313, MONDO:0018096.
Familial thoracic aortic aneurysm and aortic dissection (TAAD). Also called: Thoracic aortic aneurysms and dissections. Identifiers: Orphanet 91387, MedGen C4707243, MONDO:0019625.
Marfan syndrome (MFS). Also called: Marfan syndrome type 1; Marfan's syndrome; MARFAN SYNDROME, TYPE I; Marfan syndrome, classic; FBN1-Related Marfan Syndrome. Identifiers: Orphanet 284963, Orphanet 558, MedGen C0024796, MONDO:0007947, OMIM 154700.
Acromicric dysplasia (ACMICD). Also called: Acromicric skeletal dysplasia. Identifiers: Orphanet 969, MedGen C0265287, MONDO:0007055, OMIM 102370.
Stiff skin syndrome (SSKS). Identifiers: Orphanet 2833, MedGen C1861456, MONDO:0008492, OMIM 184900.
Ectopia lentis 1, isolated, autosomal dominant (ECTOL1). Identifiers: Orphanet 1885, MedGen C3541518, MONDO:0007514, OMIM 129600.
FBN1-related disorder. Also called: FBN1-related disorders.

Allele frequency attached by ClinVar (database versions not stated): ExAC 0.00012; gnomAD 0.00015 and 0.00016; TOPMed 0.00020; gnomAD exomes 0.00008; ESP Exome Variant Server 0.00031.

Submissions (19):

Labcorp Genetics (formerly Invitae), Labcorp
Classification: Likely benign for Marfan syndrome; Familial thoracic aortic aneurysm and aortic dissection. Last evaluated: 2026-02-03. Review status: criteria provided, single submitter. Criteria: Invitae Variant Classification Sherloc (09022015). Collection method: clinical testing. Allele origin: germline.

Blueprint Genetics
Classification: Likely benign. Last evaluated: 2024-04-25. Review status: criteria provided, single submitter. Criteria: ACMG Guidelines, 2015. Collection method: clinical testing. Allele origin: germline.

ARUP Laboratories, Molecular Genetics and Genomics, ARUP Laboratories
Classification: Likely benign. Last evaluated: 2024-03-13. Review status: criteria provided, single submitter. Criteria: ARUP Molecular Germline Variant Investigation Process 2024. Collection method: clinical testing. Allele origin: germline.

All of Us Research Program, National Institutes of Health
Classification: Likely benign for Marfan syndrome. Last evaluated: 2024-02-05. Review status: criteria provided, single submitter. Criteria: ACMG Guidelines, 2015. Collection method: clinical testing. Allele origin: germline. Inheritance: Autosomal dominant inheritance. Observed: 40 variant alleles, 40 heterozygotes.
Comment: This study involves interpretation of variants in research participants for the purpose of population health screening. Participant phenotype was not available at the time of variant classification. Additional details can be found in publication PMID: 35346344, PMCID: PMC8962531

GeneDx
Classification: Likely benign. Last evaluated: 2021-10-19. Review status: criteria provided, single submitter. Criteria: GeneDx Variant Classification Process June 2021. Collection method: clinical testing. Allele origin: germline. Affected: yes.
Comment: This variant is associated with the following publications: (PMID: 10189222)

CeGaT Center for Human Genetics Tuebingen
Classification: Likely benign. Last evaluated: 2021-10-01. Review status: criteria provided, single submitter. Criteria: CeGaT Center For Human Genetics Tuebingen Variant Classification Criteria Version 2. Collection method: clinical testing. Allele origin: germline. Affected: yes. Observed: 1 variant allele.

Women's Health and Genetics/Laboratory Corporation of America, LabCorp
Classification: Likely benign. Last evaluated: 2019-08-16. Review status: criteria provided, single submitter. Criteria: LabCorp Variant Classification Summary - May 2015. Collection method: clinical testing. Allele origin: germline.

Color Diagnostics, LLC DBA Color Health
Classification: Likely benign for Familial thoracic aortic aneurysm and aortic dissection. Last evaluated: 2018-11-08. Review status: criteria provided, single submitter. Criteria: ACMG Guidelines, 2015. Collection method: clinical testing. Allele origin: germline.

Center for Human Genetics, Inc
Classification: Likely benign for Marfan syndrome. Last evaluated: 2018-06-01. Review status: criteria provided, single submitter. Criteria: ACMG Guidelines, 2015. Collection method: clinical testing. Allele origin: germline. Affected: yes.

Illumina Laboratory Services, Illumina
Classification: Likely benign for Stiff skin syndrome. Last evaluated: 2018-01-12. Review status: criteria provided, single submitter. Criteria: ICSL Variant Classification Criteria 13 December 2019. Collection method: clinical testing. Allele origin: germline.
Comment: This variant was observed in the ICSL laboratory as part of a predisposition screen in an ostensibly healthy population. It had not been previously curated by ICSL or reported in the Human Gene Mutation Database (HGMD: prior to June 1st, 2018), and was therefore a candidate for classification through an automated scoring system. Utilizing variant allele frequency, disease prevalence and penetrance estimates, and inheritance mode, an automated score was calculated to assess if this variant is too frequent to cause the disease. Based on the score and internal cut-off values, a variant classified as likely benign is not then subjected to further curation. The score for this variant resulted in a classification of likely benign for this disease.

Illumina Laboratory Services, Illumina
Classification: Uncertain significance for Marfan syndrome. Last evaluated: 2018-01-12. Review status: criteria provided, single submitter. Criteria: ICSL Variant Classification Criteria 13 December 2019. Collection method: clinical testing. Allele origin: germline.

Illumina Laboratory Services, Illumina
Classification: Likely benign for Ectopia lentis 1, isolated, autosomal dominant. Last evaluated: 2018-01-12. Review status: criteria provided, single submitter. Criteria: ICSL Variant Classification Criteria 13 December 2019. Collection method: clinical testing. Allele origin: germline.
Comment: the same text as in the submission from Illumina Laboratory Services, Illumina above.

Illumina Laboratory Services, Illumina
Classification: Likely benign for Geleophysic dysplasia. Last evaluated: 2018-01-12. Review status: criteria provided, single submitter. Criteria: ICSL Variant Classification Criteria 13 December 2019. Collection method: clinical testing. Allele origin: germline.
Comment: the same text as in the submission from Illumina Laboratory Services, Illumina above.

Illumina Laboratory Services, Illumina
Classification: Likely benign for Weill-Marchesani syndrome. Last evaluated: 2018-01-12. Review status: criteria provided, single submitter. Criteria: ICSL Variant Classification Criteria 13 December 2019. Collection method: clinical testing. Allele origin: germline.
Comment: the same text as in the submission from Illumina Laboratory Services, Illumina above.

Illumina Laboratory Services, Illumina
Classification: Likely benign for Acromicric dysplasia. Last evaluated: 2018-01-12. Review status: criteria provided, single submitter. Criteria: ICSL Variant Classification Criteria 13 December 2019. Collection method: clinical testing. Allele origin: germline.
Comment: the same text as in the submission from Illumina Laboratory Services, Illumina above.

Illumina Laboratory Services, Illumina
Classification: Uncertain significance for Familial thoracic aortic aneurysm and aortic dissection. Last evaluated: 2018-01-12. Review status: criteria provided, single submitter. Criteria: ICSL Variant Classification Criteria 13 December 2019. Collection method: clinical testing. Allele origin: germline.

Ambry Genetics
Classification: Likely benign for Familial thoracic aortic aneurysm and aortic dissection. Last evaluated: 2016-01-08. Review status: criteria provided, single submitter. Criteria: Ambry Variant Classification Scheme 2023. Collection method: clinical testing. Allele origin: germline.

PreventionGenetics, part of Exact Sciences
Classification: Likely benign for FBN1-related condition. Last evaluated: 2020-03-16. Review status: no assertion criteria provided. Collection method: clinical testing. Allele origin: germline. Not counted in ClinVar's aggregate classification.
Comment: This variant is classified as likely benign based on ACMG/AMP sequence variant interpretation guidelines (Richards et al. 2015 PMID: 25741868, with internal and published modifications).

Laboratory for Molecular Medicine, Mass General Brigham Personalized Medicine
Classification: Uncertain significance. Last evaluated: 2008-09-15. Review status: no assertion criteria provided. Collection method: clinical testing. Allele origin: germline. Observed: 2 variant alleles. Not counted in ClinVar's aggregate classification.

Literature cited by the submitters: PubMed 10189222 (cited by Women's Health and Genetics/Laboratory Corporation of America, LabCorp and Laboratory for Molecular Medicine, Mass General Brigham Personalized Medicine).

NM_000138.5(FBN1):c.3423G>A (p.Pro1141=)

Gene: FBN1 (fibrillin 1; minus strand). Cytogenetic location: 15q21.1.
Variant type: single nucleotide variant.
Coding change: c.3423G>A on transcript NM_000138.5 (MANE Select); coding-DNA position 3423, G replaced by A.
Protein change: p.Pro1141=; no amino-acid change (proline 1141 retained).
Molecular consequence: synonymous variant.
Genome position (GRCh38, 1-based): chr15:48,487,352, C>T on the plus strand (G>A on the coding strand, the complement: FBN1 is on the minus strand). VCF-style: chr15-48487352-C-T. GRCh37 (hg19) VCF-style: chr15-48779549-C-T.
Identifiers: ClinVar variation 42335 (VCV000042335.64), dbSNP rs140396599, ClinGen allele CA014108.